The following is an entry in ClinVar:

NM_001267550.2(TTN):c.41318T>C (p.Leu13773Pro)

Gene: TTN (titin; minus strand). Cytogenetic location: 2q31.2.
Variant type: single nucleotide variant.
Coding change: c.41318T>C on transcript NM_001267550.2 (MANE Select); coding-DNA position 41318, T replaced by C.
Protein change: p.Leu13773Pro; replaces leucine 13773 with proline.
Molecular consequence: missense variant.
Genome position (GRCh38, 1-based): chr2:178,636,409, A>G on the plus strand (T>C on the coding strand, the complement: TTN is on the minus strand). VCF-style: chr2-178636409-A-G. GRCh37 (hg19) VCF-style: chr2-179501136-A-G.
Other names: c.36395T>C, p.Leu12132Pro (NM_001256850.1); c.14123T>C, p.Leu4708Pro (NM_003319.4); c.33614T>C, p.Leu11205Pro (NM_133378.4); c.14498T>C, p.Leu4833Pro (NM_133432.3); c.14699T>C, p.Leu4900Pro (NM_133437.4); short protein forms L11205P, L12132P, L13773P, L4708P, L4833P, L4900P.
Identifiers: ClinVar variation 4074752 (VCV004074752.1).

ClinVar aggregate classification (germline): Uncertain significance (1 of 4 stars; one submission).

Conditions:
Hypertrophic cardiomyopathy 9. Also called: Familial hypertrophic cardiomyopathy 9. Identifiers: MedGen C1861065, MONDO:0013412, OMIM 613765.

Submission:

Institute of Immunology and Genetics Kaiserslautern
Classification: Uncertain significance for Hypertrophic cardiomyopathy 9. Last evaluated: 2025-06-04. Review status: criteria provided, single submitter. Criteria: ACMG Guidelines, 2015. Collection method: clinical testing. Allele origin: germline. Affected: yes.
Comment: ACMG Criteria: PM2, PP3; Variant was found in heterozygous state.